The following is an entry in ClinVar:

ClinVar aggregate classification (germline): Uncertain significance (1 of 4 stars; one submission).

Submission:

Ambry Genetics
Classification: Uncertain significance. Last evaluated: 2025-09-23. Review status: criteria provided, single submitter. Criteria: Ambry Variant Classification Scheme 2023. Collection method: clinical testing. Allele origin: germline.
Comment: The p.A1633P variant (also known as c.4897G>C), located in coding exon 43 of the KIF1B gene, results from a G to C substitution at nucleotide position 4897. The alanine at codon 1633 is replaced by proline, an amino acid with highly similar properties. This amino acid position is conserved. In addition, the in silico prediction for this alteration is inconclusive. Based on the available evidence, the clinical significance of this variant remains unclear.

NM_001365951.3(KIF1B):c.5035G>C (p.Ala1679Pro)

Gene: KIF1B (kinesin family member 1B; plus strand). Cytogenetic location: 1p36.22.
Variant type: single nucleotide variant.
Coding change: c.5035G>C on transcript NM_001365951.3 (MANE Select); coding-DNA position 5035, G replaced by C.
Protein change: p.Ala1679Pro; replaces alanine 1679 with proline.
Molecular consequence: missense variant.
Genome position (GRCh38, 1-based): chr1:10,374,404, G>C. VCF-style: chr1-10374404-G-C. GRCh37 (hg19) VCF-style: chr1-10434462-G-C.
Other names: c.5035G>C, p.Ala1679Pro (NM_001365952.1); c.4897G>C, p.Ala1633Pro (NM_015074.3); short protein forms A1633P, A1679P.
Identifiers: ClinVar variation 4543627 (VCV004543627.1).